The following is an entry in ClinVar:

NM_001963.6(EGF):c.328-15A>G

Gene: EGF (epidermal growth factor; plus strand). Cytogenetic location: 4q25.
Variant type: single nucleotide variant.
Coding change: c.328-15A>G on transcript NM_001963.6 (MANE Select); 15 bases into the intron before coding-DNA position 328, A replaced by G.
Molecular consequence: intron variant.
Genome position (GRCh38, 1-based): chr4:109,943,239, A>G. VCF-style: chr4-109943239-A-G. GRCh37 (hg19) VCF-style: chr4-110864395-A-G.
Other names: c.328-15A>G (NM_001178130.3, NM_001178131.3, NM_001357021.2).
Identifiers: ClinVar variation 2016662 (VCV002016662.4), dbSNP rs2545715097, ClinGen allele CA2580071346.

ClinVar aggregate classification (germline): Uncertain significance (1 of 4 stars; one submission).

gnomAD v4.1: 1 of 1,554,356 alleles (0.000064%); no homozygotes.

Submission:

Labcorp Genetics (formerly Invitae), Labcorp
Classification: Uncertain significance. Last evaluated: 2022-07-13. Review status: criteria provided, single submitter. Criteria: Invitae Variant Classification Sherloc (09022015). Collection method: clinical testing. Allele origin: germline.
Comment: Algorithms developed to predict the effect of sequence changes on RNA splicing suggest that this variant may disrupt the consensus splice site. In summary, the available evidence is currently insufficient to determine the role of this variant in disease. Therefore, it has been classified as a Variant of Uncertain Significance. This variant has not been reported in the literature in individuals affected with EGF-related conditions. This sequence change falls in intron 2 of the EGF gene. It does not directly change the encoded amino acid sequence of the EGF protein. This variant is not present in population databases (gnomAD no frequency).